The following is an entry in ClinVar:

NM_006393.3(NEBL):c.2518+10C>T

Gene: NEBL (nebulette; minus strand). Cytogenetic location: 10p12.31.
Variant type: single nucleotide variant.
Coding change: c.2518+10C>T on transcript NM_006393.3 (MANE Select); 10 bases into the intron after coding-DNA position 2518, C replaced by T.
Molecular consequence: intron variant.
Genome position (GRCh38, 1-based): chr10:20,812,759, G>A on the plus strand (C>T on the coding strand, the complement: NEBL is on the minus strand). VCF-style: chr10-20812759-G-A. GRCh37 (hg19) VCF-style: chr10-21101688-G-A.
Other names: c.421+10C>T (NM_001377326.1, NM_001377327.1, NM_001377328.1); c.529+10C>T (NM_213569.2, NM_001173484.2, NM_001377322.1); c.472+10C>T (NM_001377324.1); c.463+10C>T (NM_001377325.1); c.481+10C>T (NM_001377323.1).
Identifiers: ClinVar variation 391195 (VCV000391195.10), dbSNP rs747607700, ClinGen allele CA5432465.

ClinVar aggregate classification (germline): Likely benign. Review status: criteria provided, multiple submitters, no conflicts (2 of 4 stars). 2 submissions from 2 submitters: Likely benign (2). Last evaluated 2025-08-10.

Conditions:
Primary dilated cardiomyopathy (DCM). Also called: Dilated Cardiomyopathy. Identifiers: Orphanet 217604, MedGen C0007193, MeSH D002311, MONDO:0005021, HP:0001644. Inheritance: Various modes of inheritance.

Allele frequency attached by ClinVar (database versions not stated): ExAC 0.00001; gnomAD 0.00001; TOPMed 0.00002.
gnomAD v4.1: 52 of 1,613,562 alleles (0.0032%); highest among the groups gnomAD compares: Middle Eastern, 0.016%; no homozygotes.

Submissions (2):

Labcorp Genetics (formerly Invitae), Labcorp
Classification: Likely benign for Primary dilated cardiomyopathy. Last evaluated: 2025-08-10. Review status: criteria provided, single submitter. Criteria: Invitae Variant Classification Sherloc (09022015). Collection method: clinical testing. Allele origin: germline.

GeneDx
Classification: Likely benign. Last evaluated: 2016-11-28. Review status: criteria provided, single submitter. Criteria: GeneDx Variant Classification (06012015). Collection method: clinical testing. Allele origin: germline. Affected: yes.
Comment: This variant is considered likely benign or benign based on one or more of the following criteria: it is a conservative change, it occurs at a poorly conserved position in the protein, it is predicted to be benign by multiple in silico algorithms, and/or has population frequency not consistent with disease.